The following is an entry in ClinVar:

ClinVar aggregate classification (germline): Uncertain significance. Review status: criteria provided, multiple submitters, no conflicts (2 of 4 stars). 3 submissions from 3 submitters: Uncertain significance (3). Last evaluated 2024-10-05.

Conditions:
Familial thoracic aortic aneurysm and aortic dissection (TAAD). Also called: Thoracic aortic aneurysms and dissections. Identifiers: Orphanet 91387, MedGen C4707243, MONDO:0019625.
Congenital contractural arachnodactyly (CCA). Also called: BEALS SYNDROME; Beals-Hecht syndrome; Arthrogryposis, distal, type 9. Identifiers: Orphanet 115, MedGen C0220668, MONDO:0007363, OMIM 121050.

Allele frequency attached by ClinVar (database versions not stated): gnomAD exomes below 0.00001.
gnomAD v4.1: 1 of 1,613,760 alleles (0.000062%); highest among the groups gnomAD compares: Non-Finnish European, 0.000085%; no homozygotes.

Submissions (3):

Ambry Genetics
Classification: Uncertain significance for Familial thoracic aortic aneurysm and aortic dissection. Last evaluated: 2024-10-05. Review status: criteria provided, single submitter. Criteria: Ambry Variant Classification Scheme 2023. Collection method: clinical testing. Allele origin: germline.
Comment: The p.T2672A variant (also known as c.8014A>G), located in coding exon 63 of the FBN2 gene, results from an A to G substitution at nucleotide position 8014. The threonine at codon 2672 is replaced by alanine, an amino acid with similar properties. This amino acid position is highly conserved in available vertebrate species. In addition, this alteration is predicted to be deleterious by in silico analysis. Based on the available evidence, the clinical significance of this variant remains unclear.

Labcorp Genetics (formerly Invitae), Labcorp
Classification: Uncertain significance for Congenital contractural arachnodactyly. Last evaluated: 2023-01-24. Review status: criteria provided, single submitter. Criteria: Invitae Variant Classification Sherloc (09022015). Collection method: clinical testing. Allele origin: germline.
Comment: This sequence change replaces threonine, which is neutral and polar, with alanine, which is neutral and non-polar, at codon 2672 of the FBN2 protein (p.Thr2672Ala). In summary, the available evidence is currently insufficient to determine the role of this variant in disease. Therefore, it has been classified as a Variant of Uncertain Significance. Advanced modeling of protein sequence and biophysical properties (such as structural, functional, and spatial information, amino acid conservation, physicochemical variation, residue mobility, and thermodynamic stability) performed at Invitae indicates that this missense variant is expected to disrupt FBN2 protein function. This variant has not been reported in the literature in individuals affected with FBN2-related conditions. This variant is not present in population databases (gnomAD no frequency).

Blueprint Genetics
Classification: Uncertain significance. Last evaluated: 2021-02-10. Review status: criteria provided, single submitter. Criteria: ACMG Guidelines, 2015. Collection method: clinical testing. Allele origin: germline.

NM_001999.4(FBN2):c.8014A>G (p.Thr2672Ala)

Gene: FBN2 (fibrillin 2; minus strand). Cytogenetic location: 5q23.3.
Variant type: single nucleotide variant.
Coding change: c.8014A>G on transcript NM_001999.4 (MANE Select); coding-DNA position 8014, A replaced by G.
Protein change: p.Thr2672Ala; replaces threonine 2672 with alanine.
Molecular consequence: missense variant.
Genome position (GRCh38, 1-based): chr5:128,263,603, T>C on the plus strand (A>G on the coding strand, the complement: FBN2 is on the minus strand). VCF-style: chr5-128263603-T-C. GRCh37 (hg19) VCF-style: chr5-127599295-T-C.
Other names: c.8014A>G (NM_001999.3); short protein forms T2672A.
Identifiers: ClinVar variation 2831653 (VCV002831653.5), dbSNP rs1581172925, ClinGen allele CA360749719.